The following is an entry in ClinVar:

NM_001142966.3(GREB1L):c.2182+4A>G

Gene: GREB1L (GREB1 like retinoic acid receptor coactivator; plus strand). Cytogenetic location: 18q11.1.
Variant type: single nucleotide variant.
Coding change: c.2182+4A>G on transcript NM_001142966.3 (MANE Select); 4 bases into the intron after coding-DNA position 2182, A replaced by G.
Molecular consequence: intron variant.
Genome position (GRCh38, 1-based): chr18:21,454,567, A>G. VCF-style: chr18-21454567-A-G. GRCh37 (hg19) VCF-style: chr18-19034528-A-G.
Other names: c.2311+4A>G (NM_001410867.1); c.1855+4A>G (NM_001410868.1).
Identifiers: ClinVar variation 3048535 (VCV003048535.2), dbSNP rs748466280, ClinGen allele CA8906458.

ClinVar aggregate classification (germline): Likely benign (0 of 4 stars; one submission).

Conditions:
GREB1L-related disorder. Also called: GREB1L-related condition.

Allele frequency attached by ClinVar (database versions not stated): TOPMed below 0.00001; gnomAD 0.00002; gnomAD exomes 0.00004; ExAC 0.00042.
gnomAD v4.1: 64 of 1,549,986 alleles (0.0041%); highest among the groups gnomAD compares: South Asian, 0.07%; no homozygotes.

Submission:

PreventionGenetics, part of Exact Sciences
Classification: Likely benign for GREB1L-related condition. Last evaluated: 2019-12-05. Review status: no assertion criteria provided. Collection method: clinical testing. Allele origin: germline.
Comment: This variant is classified as likely benign based on ACMG/AMP sequence variant interpretation guidelines (Richards et al. 2015 PMID: 25741868, with internal and published modifications).